The following is an entry in ClinVar:

NM_031924.8(RSPH3):c.-405G>A

Genes: RSPH3 (radial spoke head 3; minus strand), TAGAP-AS1 (TAGAP antisense RNA 1; plus strand). Cytogenetic location: 6q25.3.
Variant type: single nucleotide variant.
Coding change: c.-405G>A on transcript NM_031924.8 (MANE Select); 405 bases upstream of the start codon, G replaced by A.
Molecular consequence: 5 prime UTR variant. On other transcripts: missense variant (1), non-coding transcript variant (1).
Genome position (GRCh38, 1-based): chr6:158,999,955, C>T on the plus strand (G>A on the coding strand, the complement: RSPH3 is on the minus strand). VCF-style: chr6-158999955-C-T. GRCh37 (hg19) VCF-style: chr6-159420987-C-T.
Other names: c.22G>A, p.Ala8Thr (NM_001346418.1); short protein forms A8T.
Identifiers: ClinVar variation 2143865 (VCV002143865.4), dbSNP rs1268142382, ClinGen allele CA366286072.

ClinVar aggregate classification (germline): Uncertain significance (1 of 4 stars; one submission).

Conditions:
Primary ciliary dyskinesia 32. Also called: CILIARY DYSKINESIA, PRIMARY, 32, WITHOUT SITUS INVERSUS. Identifiers: Orphanet 244, MedGen C4225311, MONDO:0014657, OMIM 616481.

Allele frequency attached by ClinVar (database versions not stated): gnomAD exomes below 0.00001; gnomAD 0.00001; TOPMed 0.00001.
gnomAD v4.1: 3 of 1,601,852 alleles (0.00019%); highest among the groups gnomAD compares: Admixed American, 0.0051%; no homozygotes.

Submission:

Labcorp Genetics (formerly Invitae), Labcorp
Classification: Uncertain significance for Primary ciliary dyskinesia 32. Last evaluated: 2021-12-19. Review status: criteria provided, single submitter. Criteria: Invitae Variant Classification Sherloc (09022015). Collection method: clinical testing. Allele origin: germline.
Comment: This sequence change replaces alanine, which is neutral and non-polar, with threonine, which is neutral and polar, at codon 8 of the RSPH3 protein (p.Ala8Thr). This variant is present in population databases (no rsID available, gnomAD 0.003%). This variant has not been reported in the literature in individuals affected with RSPH3-related conditions. Algorithms developed to predict the effect of missense changes on protein structure and function (SIFT, PolyPhen-2, Align-GVGD) all suggest that this variant is likely to be tolerated. In summary, the available evidence is currently insufficient to determine the role of this variant in disease. Therefore, it has been classified as a Variant of Uncertain Significance.